The following is an entry in ClinVar:

ClinVar aggregate classification (germline): Uncertain significance (1 of 4 stars; one submission).

Conditions:
Neonatal-onset encephalopathy with rigidity and seizures. Also called: Lethal neonatal spasticity-epileptic encephalopathy syndrome. Identifiers: Orphanet 435845, MedGen C3281029, MONDO:0013784, OMIM 614498.

Submission:

Labcorp Genetics (formerly Invitae), Labcorp
Classification: Uncertain significance for Neonatal-onset encephalopathy with rigidity and seizures. Last evaluated: 2022-02-05. Review status: criteria provided, single submitter. Criteria: Invitae Variant Classification Sherloc (09022015). Collection method: clinical testing. Allele origin: germline.
Comment: In summary, the available evidence is currently insufficient to determine the role of this variant in disease. Therefore, it has been classified as a Variant of Uncertain Significance. Algorithms developed to predict the effect of missense changes on protein structure and function are either unavailable or do not agree on the potential impact of this missense change (SIFT: "Tolerated"; PolyPhen-2: "Possibly Damaging"; Align-GVGD: "Class C0"). ClinVar contains an entry for this variant (Variation ID: 1060627). This variant has not been reported in the literature in individuals affected with BRAT1-related conditions. This variant is not present in population databases (gnomAD no frequency). This sequence change replaces serine, which is neutral and polar, with asparagine, which is neutral and polar, at codon 574 of the BRAT1 protein (p.Ser574Asn).

NM_152743.4(BRAT1):c.1721G>A (p.Ser574Asn)

Gene: BRAT1 (BRCA1 associated ATM activator 1; minus strand). Cytogenetic location: 7p22.3.
Variant type: single nucleotide variant.
Coding change: c.1721G>A on transcript NM_152743.4 (MANE Select); coding-DNA position 1721, G replaced by A.
Protein change: p.Ser574Asn; replaces serine 574 with asparagine.
Molecular consequence: missense variant. On other transcripts: non-coding transcript variant (1).
Genome position (GRCh38, 1-based): chr7:2,539,228, C>T on the plus strand (G>A on the coding strand, the complement: BRAT1 is on the minus strand). VCF-style: chr7-2539228-C-T. GRCh37 (hg19) VCF-style: chr7-2578862-C-T.
Other names: c.1721G>A, p.Ser574Asn (NM_001350626.2); c.1196G>A, p.Ser399Asn (NM_001350627.2); short protein forms S399N, S574N.
Identifiers: ClinVar variation 1060627 (VCV001060627.9), dbSNP rs376495785, ClinGen allele CA366626495.
Genomic context (GRCh38, chr7:2,539,228, plus strand): 5'-CCACCTCCTACCTGCCGGGCCTCTGCATGCTCAGGGCTGGTGGGGGCGTGCAGGCCCTGG[C>T]TGGACAGCTGCCCCATGGCGGTCACTGCACTCGCTCGGACATAACTCTCAGGGTCCTGGA-3'
Protein context (NP_689956.2, residues 564-584): SAVTAMGQLS[Ser574Asn]QGLHAPTSPE